The following is an entry in ClinVar:

ClinVar aggregate classification (germline): Uncertain significance. Review status: criteria provided, multiple submitters, no conflicts (2 of 4 stars). 3 submissions from 3 submitters: Uncertain significance (2). 1 of the submissions does not count toward it. Last evaluated 2026-06-26.

Conditions:
Cognitive impairment - coarse facies - heart defects - obesity - pulmonary involvement - short stature - skeletal dysplasia syndrome. Also called: COGNITIVE IMPAIRMENT, COARSE FACIES, HEART DEFECTS, OBESITY, PULMONARY INVOLVEMENT, SHORT STATURE, AND SKELETAL DYSPLASIA; Chops syndrome; AFF4-Related CHOPS Syndrome. Identifiers: Orphanet 444077, MedGen C4085597, MONDO:0014609, OMIM 616368.
AFF4-related disorder. Also called: AFF4-related condition.

Allele frequency attached by ClinVar (database versions not stated): gnomAD exomes below 0.00001.
gnomAD v4.1: 2 of 1,613,668 alleles (0.00012%); highest among the groups gnomAD compares: Non-Finnish European, 0.00017%; no homozygotes.

Submissions (3):

Women's Health and Genetics/Laboratory Corporation of America, LabCorp
Classification: Uncertain significance. Last evaluated: 2026-06-26. Review status: criteria provided, single submitter. Criteria: LabCorp Variant Classification Summary - May 2015. Collection method: clinical testing. Allele origin: germline.
Comment: Variant summary: AFF4 c.2234C>T (p.Pro745Leu) results in a non-conservative amino acid change in the encoded protein sequence. Algorithms developed to predict the effect of missense changes on protein structure and function are either unavailable or do not agree on the potential impact of this missense change. The variant was absent in 250856 control chromosomes. The available data on variant occurrences in the general population are insufficient to allow any conclusion about variant significance. To our knowledge, no occurrence of c.2234C>T in individuals affected with AFF4-related conditions and no experimental evidence demonstrating its impact on protein function have been reported. ClinVar contains an entry for this variant (Variation ID: 2885029). Based on the evidence outlined above, the variant was classified as uncertain significance.

Labcorp Genetics (formerly Invitae), Labcorp
Classification: Uncertain significance for Cognitive impairment - coarse facies - heart defects - obesity - pulmonary involvement - short stature - skeletal dysplasia syndrome. Last evaluated: 2024-01-16. Review status: criteria provided, single submitter. Criteria: Invitae Variant Classification Sherloc (09022015). Collection method: clinical testing. Allele origin: germline.
Comment: This sequence change replaces proline, which is neutral and non-polar, with leucine, which is neutral and non-polar, at codon 745 of the AFF4 protein (p.Pro745Leu). This variant is not present in population databases (gnomAD no frequency). This variant has not been reported in the literature in individuals affected with AFF4-related conditions. Advanced modeling of protein sequence and biophysical properties (such as structural, functional, and spatial information, amino acid conservation, physicochemical variation, residue mobility, and thermodynamic stability) performed at Invitae indicates that this missense variant is not expected to disrupt AFF4 protein function with a negative predictive value of 80%. In summary, the available evidence is currently insufficient to determine the role of this variant in disease. Therefore, it has been classified as a Variant of Uncertain Significance.

PreventionGenetics, part of Exact Sciences
Classification: Uncertain significance for AFF4-related condition. Last evaluated: 2024-05-22. Review status: no assertion criteria provided. Collection method: clinical testing. Allele origin: germline. Not counted in ClinVar's aggregate classification.
Comment: The AFF4 c.2234C>T variant is predicted to result in the amino acid substitution p.Pro745Leu. To our knowledge, this variant has not been reported in the literature or in a large population database, indicating this variant is rare. At this time, the clinical significance of this variant is uncertain due to the absence of conclusive functional and genetic evidence.

NM_014423.4(AFF4):c.2234C>T (p.Pro745Leu)

Gene: AFF4 (ALF transcription elongation factor 4; minus strand). Cytogenetic location: 5q31.1.
Variant type: single nucleotide variant.
Coding change: c.2234C>T on transcript NM_014423.4 (MANE Select); coding-DNA position 2234, C replaced by T.
Protein change: p.Pro745Leu; replaces proline 745 with leucine.
Molecular consequence: missense variant.
Genome position (GRCh38, 1-based): chr5:132,896,396, G>A on the plus strand (C>T on the coding strand, the complement: AFF4 is on the minus strand). VCF-style: chr5-132896396-G-A. GRCh37 (hg19) VCF-style: chr5-132232088-G-A.
Other names: c.2234C>T (NM_014423.3); short protein forms P745L.
Identifiers: ClinVar variation 2885029 (VCV002885029.5), dbSNP rs2532472501, ClinGen allele CA360933048.
Genomic context (GRCh38, chr5:132,896,396, plus strand): 5'-TTGCCTTTGTTGGAAACTTTTTCTGAGGCTTGTTTCTGAGCCTCTCTCGTGTGCTTTTCT[G>A]GCACATTTTTCTTTTCCCCCTTGGGCGGCTCTGTTTCTTTGTAAGGCTTTCCTGGTATTC-3'
Protein context (NP_055238.1, residues 735-755): EPPKGEKKNV[Pro745Leu]EKHTREAQKQ